The following is an entry in ClinVar:

ClinVar aggregate classification (germline): Uncertain significance. Review status: criteria provided, multiple submitters, no conflicts (2 of 4 stars). 2 submissions from 2 submitters: Uncertain significance (2). Last evaluated 2025-11-17.

Submissions (2):

Labcorp Genetics (formerly Invitae), Labcorp
Classification: Uncertain significance. Last evaluated: 2025-11-17. Review status: criteria provided, single submitter. Criteria: Invitae Variant Classification Sherloc (09022015). Collection method: clinical testing. Allele origin: germline.
Comment: This sequence change replaces proline, which is neutral and non-polar, with arginine, which is basic and polar, at codon 665 of the RNF43 protein (p.Pro665Arg). This variant is not present in population databases (gnomAD no frequency). This variant has not been reported in the literature in individuals affected with RNF43-related conditions. ClinVar contains an entry for this variant (Variation ID: 4155736). An algorithm developed to predict the effect of missense changes on protein structure and function (PolyPhen-2) suggests that this variant is likely to be tolerated. In summary, the available evidence is currently insufficient to determine the role of this variant in disease. Therefore, it has been classified as a Variant of Uncertain Significance.

Ambry Genetics
Classification: Uncertain significance. Last evaluated: 2025-07-03. Review status: criteria provided, single submitter. Criteria: Ambry Variant Classification Scheme 2023. Collection method: clinical testing. Allele origin: germline.
Comment: The p.P665R variant (also known as c.1994C>G), located in coding exon 8 of the RNF43 gene, results from a C to G substitution at nucleotide position 1994. The proline at codon 665 is replaced by arginine, an amino acid with dissimilar properties. This amino acid position is conserved. In addition, this alteration is predicted to be tolerated by in silico analysis. Based on the available evidence, the clinical significance of this variant remains unclear.

NM_017763.6(RNF43):c.1994C>G (p.Pro665Arg)

Gene: RNF43 (ring finger protein 43; minus strand). Cytogenetic location: 17q22.
Variant type: single nucleotide variant.
Coding change: c.1994C>G on transcript NM_017763.6 (MANE Select); coding-DNA position 1994, C replaced by G.
Protein change: p.Pro665Arg; replaces proline 665 with arginine.
Molecular consequence: missense variant.
Genome position (GRCh38, 1-based): chr17:58,357,782, G>C on the plus strand (C>G on the coding strand, the complement: RNF43 is on the minus strand). VCF-style: chr17-58357782-G-C. GRCh37 (hg19) VCF-style: chr17-56435143-G-C.
Other names: c.1994C>G, p.Pro665Arg (NM_001305544.3, NM_001438820.1, NM_001438821.1 and 1 more transcripts); c.1613C>G, p.Pro538Arg (NM_001305545.2, NM_001437987.1); short protein forms P665R, P538R.
Identifiers: ClinVar variation 4155736 (VCV004155736.2).
Genomic context (GRCh38, chr17:58,357,782, plus strand): 5'-GTGTAATGGGGAAAAATCTGGCAAGCTGGGTGCACAGTTGCATCCTGGGGCCGAGAGCCA[G>C]GGGTGGGCTCGGAGGGACCCCCCCGCCTTTTCCTCTGTGGGTGTCGGGCAGAGAGGCTGG-3'
Protein context (NP_060233.3, residues 655-675): KRRGGPSEPT[Pro665Arg]GSRPQDATVH